The following is an entry in ClinVar:

NM_000369.5(TSHR):c.2181G>C (p.Glu727Asp)

Genes: TSHR (thyroid stimulating hormone receptor; plus strand), TSHR-AS1 (TSHR antisense RNA 1; minus strand). Cytogenetic location: 14q31.1.
Variant type: single nucleotide variant.
Coding change: c.2181G>C on transcript NM_000369.5 (MANE Select); coding-DNA position 2181, G replaced by C.
Protein change: p.Glu727Asp; replaces glutamic acid 727 with aspartic acid.
Molecular consequence: missense variant.
Genome position (GRCh38, 1-based): chr14:81,144,239, G>C. VCF-style: chr14-81144239-G-C. GRCh37 (hg19) VCF-style: chr14-81610583-G-C.
Other names: short protein forms E727D.
Identifiers: ClinVar variation 135400 (VCV000135400.22), dbSNP rs1991517, ClinGen allele CA162649.
Genomic context (GRCh38, chr14:81,144,239, plus strand): 5'-GGGGCAGAGGGTTCCTCCAAAGAACAGCACTGATATTCAGGTTCAAAAGGTTACCCACGA[G>C]ATGAGGCAGGGTCTCCACAACATGGAAGATGTCTATGAACTGATTGAAAACTCCCATCTA-3'
Protein context (NP_000360.2, residues 717-737): TDIQVQKVTH[Glu727Asp]MRQGLHNMED

ClinVar aggregate classification (germline): Benign/Likely benign. Review status: criteria provided, multiple submitters, no conflicts (2 of 4 stars). 16 submissions from 13 submitters: Benign (7); Likely benign (5). 4 of the submissions do not count toward it. Last evaluated 2026-05-08.

Conditions:
Hyperthyroidism, Congenital hypothyroidism.
Familial hyperthyroidism due to mutations in TSH receptor. Also called: TOXIC THYROID HYPERPLASIA, AUTOSOMAL DOMINANT; HYPERTHYROIDISM, CONGENITAL NONAUTOIMMUNE; HYPERTHYROIDISM, NONAUTOIMMUNE, AUTOSOMAL DOMINANT. Identifiers: Orphanet 424, MedGen C1836706, MONDO:0012203, OMIM 609152.
Hypothyroidism due to TSH receptor mutations. Also called: Hypothyroidism, congenital, nongoitrous, 1; HYPOTHYROIDISM DUE TO UNRESPONSIVENESS TO THYROTROPIN; HYPOTHYROIDISM, CONGENITAL, DUE TO TSH RESISTANCE; HYPOTHYROIDISM, NONAUTOIMMUNE; THYROID-STIMULATING HORMONE, RESISTANCE TO; TSH RESISTANCE. Identifiers: Orphanet 90673, MedGen C3493776, MONDO:0010142, OMIM 275200.
Familial gestational hyperthyroidism. Identifiers: Orphanet 99819, MedGen C1863959, MONDO:0011309, OMIM 603373.

Allele frequency attached by ClinVar (database versions not stated): gnomAD exomes 0.89586 and 0.91139; 1000 Genomes Project 0.89677; 1000 Genomes Project 30x 0.89850; ExAC 0.90038; gnomAD 0.90759 and 0.90865; TOPMed 0.91044; ESP Exome Variant Server 0.92334.
gnomAD v4.1: 1,469,734 of 1,613,402 alleles (91%); highest among the groups gnomAD compares: African/African-American, 94%; 669,969 homozygotes.

Submissions (16):

Women's Health and Genetics/Laboratory Corporation of America, LabCorp
Classification: Benign. Last evaluated: 2026-05-08. Review status: criteria provided, single submitter. Criteria: LabCorp Variant Classification Summary - May 2015. Collection method: clinical testing. Allele origin: germline.

Labcorp Genetics (formerly Invitae), Labcorp
Classification: Benign. Last evaluated: 2026-02-04. Review status: criteria provided, single submitter. Criteria: Invitae Variant Classification Sherloc (09022015). Collection method: clinical testing. Allele origin: germline.

Blueprint Genetics
Classification: Likely benign. Last evaluated: 2024-11-27. Review status: criteria provided, single submitter. Criteria: ACMG Guidelines, 2015. Collection method: clinical testing. Allele origin: germline.

Cambridge Genomics Laboratory, East Genomic Laboratory Hub, NHS Genomic Medicine Service
Classification: Likely benign for Hyperthyroidism, Congenital hypothyroidism. Last evaluated: 2024-01-30. Review status: criteria provided, single submitter. Criteria: ACGS Best Practice Guidelines for Variant Classification in Rare Disease 2020. Collection method: clinical testing. Allele origin: germline. Affected: yes.
Comment: The p.Glu727Asp variant is observed in 3.291/18.392 (17.8936%) alleles from individuals of gnomAD East Asian background in gnomAD All. The p.Glu727Asp variant is observed in 517/5.008 (10.3235%) alleles from individuals of 1kG All background in 1kG All. The p.Glu727Asp variant is observed in 837/5.182 (16.1521%) alleles from individuals of gnomAD Genomes v3 East Asian background in gnomAD Genomes v3 All. The minor allele of 'G' in gnomAD All, 1kG All, and gnomAD Genomes v3 All. It is also the reference allele in the genome assembly, which is greater than expected for the disorder. (BS1 - Strong) | The p.Glu727Asp variant is not predicted to introduce a novel splice site by any splice site algorithm. The p.Glu727Asp missense variant is predicted to be tolerated by both SIFT or PolyPhen2. The aspartic acid residue at codon 727 of TSHR is present in Chimp and 43 other mammalian species. The nucleotide c.2181 in TSHR is not conserved according to a GERP++ and PhyloP analysis of 100 vertebrates. (BP4 - Supporting)

Genome-Nilou Lab
Classification: Benign for Familial gestational hyperthyroidism. Last evaluated: 2021-09-10. Review status: criteria provided, single submitter. Criteria: ACMG Guidelines, 2015. Collection method: clinical testing. Allele origin: germline. Affected: no.

Genome-Nilou Lab
Classification: Benign for Familial hyperthyroidism due to mutations in TSH receptor. Last evaluated: 2021-09-10. Review status: criteria provided, single submitter. Criteria: ACMG Guidelines, 2015. Collection method: clinical testing. Allele origin: germline. Affected: no.

Genome-Nilou Lab
Classification: Benign for Hypothyroidism due to TSH receptor mutations. Last evaluated: 2021-09-10. Review status: criteria provided, single submitter. Criteria: ACMG Guidelines, 2015. Collection method: clinical testing. Allele origin: germline. Affected: no.

GeneDx
Classification: Benign. Last evaluated: 2018-11-12. Review status: criteria provided, single submitter. Criteria: GeneDx Variant Classification Process June 2021. Collection method: clinical testing. Allele origin: germline. Affected: yes.
Comment: This variant is associated with the following publications: (PMID: 26356361, 10487707, 24728327, 17408423, 12589819)

Illumina Laboratory Services, Illumina
Classification: Likely benign for Familial hyperthyroidism due to mutations in TSH receptor. Last evaluated: 2017-04-27. Review status: criteria provided, single submitter. Criteria: ICSL Variant Classification Criteria 13 December 2019. Collection method: clinical testing. Allele origin: germline.
Comment: This variant was observed as part of a predisposition screen in an ostensibly healthy population. A literature search was performed for the gene, cDNA change, and amino acid change (where applicable). No publications were found based on this search. Allele frequency data from public databases allowed determination this variant is unlikely to cause disease. Therefore, this variant is classified as likely benign.

Illumina Laboratory Services, Illumina
Classification: Likely benign for Hypothyroidism due to TSH receptor mutations. Last evaluated: 2017-04-27. Review status: criteria provided, single submitter. Criteria: ICSL Variant Classification Criteria 13 December 2019. Collection method: clinical testing. Allele origin: germline.
Comment: the same text as in the submission from Illumina Laboratory Services, Illumina above.

Breakthrough Genomics
Classification: Likely benign. Review status: criteria provided, single submitter. Criteria: ACMG Guidelines, 2015. Collection method: not provided. Allele origin: germline. Inheritance: Autosomal recessive inheritance. Affected: yes.

PreventionGenetics, part of Exact Sciences
Classification: Benign. Review status: criteria provided, single submitter. Criteria: ACMG Guidelines, 2015. Collection method: clinical testing. Allele origin: germline.

ITMI
No classification provided. Condition: AllHighlyPenetrant. Last evaluated: 2013-09-19. Review status: no classification provided. Collection method: reference population. Allele origin: germline. Not counted in ClinVar's aggregate classification.
Comment: Please see associated publication for description of ethnicities

Clinical Genetics DNA and cytogenetics Diagnostics Lab, Erasmus MC, Erasmus Medical Center
Classification: Benign. Review status: no assertion criteria provided. Collection method: clinical testing. Allele origin: germline. Affected: yes. Study: VKGL Data-share Consensus. Not counted in ClinVar's aggregate classification.

Clinical Genetics, Academic Medical Center
Classification: Benign. Review status: no assertion criteria provided. Collection method: clinical testing. Allele origin: germline. Affected: yes. Study: VKGL Data-share Consensus. Not counted in ClinVar's aggregate classification.

Diagnostic Laboratory, Department of Genetics, University Medical Center Groningen
Classification: Benign. Review status: no assertion criteria provided. Collection method: clinical testing. Allele origin: germline. Affected: yes. Study: VKGL Data-share Consensus. Not counted in ClinVar's aggregate classification.

Literature cited by the submitters: PubMed 24728327 (cited by ITMI).